The following is an entry in ClinVar:

ClinVar aggregate classification (germline): Uncertain significance (1 of 4 stars; one submission).

Submission:

GeneDx
Classification: Uncertain significance. Last evaluated: 2025-06-09. Review status: criteria provided, single submitter. Criteria: GeneDx Variant Classification Process June 2021. Collection method: clinical testing. Allele origin: germline. Affected: yes.
Comment: Not observed at significant frequency in large population cohorts (gnomAD); In silico analysis supports that this missense variant has a deleterious effect on protein structure/function; Has not been previously published as pathogenic or benign to our knowledge

NM_170675.5(MEIS2):c.950G>A (p.Gly317Glu)

Gene: MEIS2 (Meis homeobox 2; minus strand). Cytogenetic location: 15q14.
Variant type: single nucleotide variant.
Coding change: c.950G>A on transcript NM_170675.5 (MANE Select); coding-DNA position 950, G replaced by A.
Protein change: p.Gly317Glu; replaces glycine 317 with glutamic acid.
Molecular consequence: missense variant.
Genome position (GRCh38, 1-based): chr15:36,950,351, C>T on the plus strand (G>A on the coding strand, the complement: MEIS2 is on the minus strand). VCF-style: chr15-36950351-C-T. GRCh37 (hg19) VCF-style: chr15-37242552-C-T.
Other names: c.950G>A, p.Gly317Glu (NM_001220482.2, NM_170674.5, NM_170676.5 and 1 more transcripts); c.911G>A, p.Gly304Glu (NM_002399.4, NM_172315.3); c.686G>A, p.Gly229Glu (NM_172316.3); short protein forms G229E, G304E, G317E.
Identifiers: ClinVar variation 4538010 (VCV004538010.1).